The following is an entry in ClinVar:

ClinVar aggregate classification (germline): Uncertain significance. Review status: criteria provided, multiple submitters, no conflicts (2 of 4 stars). 2 submissions from 2 submitters: Uncertain significance (2). Last evaluated 2025-10-10.

Conditions:
Hereditary cancer-predisposing syndrome. Also called: Hereditary neoplastic syndrome; Neoplastic Syndromes, Hereditary; Tumor predisposition; Hereditary Cancer Syndrome. Identifiers: Orphanet 140162, MedGen C0027672, MeSH D009386, MONDO:0015356.
Ataxia-telangiectasia syndrome (AT). Also called: LOUIS-BAR SYNDROME; Cerebello-oculocutaneous telangiectasia; Immunodeficiency with ataxia telangiectasia; AT, COMPLEMENTATION GROUP C; Ataxia-telangiectasia, complementation group D; ATAXIA-TELANGIECTASIA, COMPLEMENTATION GROUP A. Identifiers: Orphanet 100, MedGen C0004135, MONDO:0008840, OMIM 208900.

Submissions (2):

Ambry Genetics
Classification: Uncertain significance for Hereditary cancer-predisposing syndrome. Last evaluated: 2025-10-10. Review status: criteria provided, single submitter. Criteria: Ambry Variant Classification Scheme 2023. Collection method: clinical testing. Allele origin: germline.
Comment: The c.1899-3A>G intronic variant results from an A to G substitution 3 nucleotides upstream from coding exon 12 in the ATM gene. This nucleotide position is well conserved in available vertebrate species. In silico splice site analysis for this alteration is inconclusive and direct evidence is insufficient at this time (Ambry internal data). Based on the available evidence, the clinical significance of this variant remains unclear.

Labcorp Genetics (formerly Invitae), Labcorp
Classification: Uncertain significance for Ataxia-telangiectasia syndrome. Last evaluated: 2025-09-11. Review status: criteria provided, single submitter. Criteria: Invitae Variant Classification Sherloc (09022015). Collection method: clinical testing. Allele origin: germline.
Comment: This sequence change falls in intron 12 of the ATM gene. It does not directly change the encoded amino acid sequence of the ATM protein. RNA analysis indicates that this variant induces altered splicing and may result in an absent or altered protein product. This variant is not present in population databases (gnomAD no frequency). This variant has not been reported in the literature in individuals affected with ATM-related conditions. ClinVar contains an entry for this variant (Variation ID: 481227). Variants that disrupt the consensus splice site are a relatively common cause of aberrant splicing (PMID: 17576681, 9536098). Studies have shown that this variant results in activation of a cryptic splice site, and produces a non-functional protein and/or introduces a premature termination codon (internal data). In summary, the available evidence is currently insufficient to determine the role of this variant in disease. Therefore, it has been classified as a Variant of Uncertain Significance.

Literature cited by the submitters: PubMed 17576681 (cited by Labcorp Genetics (formerly Invitae), Labcorp); PubMed 9536098 (cited by Labcorp Genetics (formerly Invitae), Labcorp).

NM_000051.4(ATM):c.1899-3A>G

Gene: ATM (ATM serine/threonine kinase; plus strand). Cytogenetic location: 11q22.3.
Variant type: single nucleotide variant.
Coding change: c.1899-3A>G on transcript NM_000051.4 (MANE Select); 3 bases into the intron before coding-DNA position 1899, A replaced by G.
Molecular consequence: intron variant.
Genome position (GRCh38, 1-based): chr11:108,253,811, A>G. VCF-style: chr11-108253811-A-G. GRCh37 (hg19) VCF-style: chr11-108124538-A-G.
Other names: c.1899-3A>G (NM_001351834.2).
Identifiers: ClinVar variation 481227 (VCV000481227.13), dbSNP rs1555073062, ClinGen allele CA658656176.